The following is an entry in ClinVar:

ClinVar aggregate classification (germline): Uncertain significance (1 of 4 stars; one submission).

Conditions:
RASopathy. Also called: Noonan spectrum disorder; rasopathies. Identifiers: Orphanet 536391, MedGen C5555857, MONDO:0021060.

Submission:

Labcorp Genetics (formerly Invitae), Labcorp
Classification: Uncertain significance for RASopathy. Last evaluated: 2022-07-13. Review status: criteria provided, single submitter. Criteria: Invitae Variant Classification Sherloc (09022015). Collection method: clinical testing. Allele origin: germline.
Comment: In summary, the available evidence is currently insufficient to determine the role of this variant in disease. Therefore, it has been classified as a Variant of Uncertain Significance. Experimental studies and prediction algorithms are not available or were not evaluated, and the functional significance of this variant is currently unknown. This variant has not been reported in the literature in individuals affected with PTPN11-related conditions. This variant is a gross deletion of the genomic region encompassing exon(s) 2 of the PTPN11 gene. This variant would be expected to be in-frame, preserving the integrity of the reading frame.

NC_000012.11:g.(?_112884060)_(112884222_?)del

Gene: PTPN11 (protein tyrosine phosphatase non-receptor type 11; plus strand). Cytogenetic location: 12q24.13.
Variant type: Deletion.
Identifiers: ClinVar variation 2424545 (VCV002424545.4).